The following is an entry in ClinVar:

NM_000271.5(NPC1):c.1654+1G>A

Gene: NPC1 (NPC intracellular cholesterol transporter 1; minus strand). Cytogenetic location: 18q11.2.
Variant type: single nucleotide variant.
Coding change: c.1654+1G>A on transcript NM_000271.5 (MANE Select); the canonical splice donor site of the intron after coding-DNA position 1654, G replaced by A.
Molecular consequence: splice donor variant.
Genome position (GRCh38, 1-based): chr18:23,551,626, C>T on the plus strand (G>A on the coding strand, the complement: NPC1 is on the minus strand). VCF-style: chr18-23551626-C-T. GRCh37 (hg19) VCF-style: chr18-21131590-C-T.
Identifiers: ClinVar variation 1070529 (VCV001070529.10), dbSNP rs2145433024, ClinGen allele CA401774709.

ClinVar aggregate classification (germline): Pathogenic (1 of 4 stars; one submission).

Conditions:
Niemann-Pick disease, type C1. Also called: NEUROVISCERAL STORAGE DISEASE WITH VERTICAL SUPRANUCLEAR OPHTHALMOPLEGIA; NIEMANN-PICK DISEASE WITH CHOLESTEROL ESTERIFICATION BLOCK; NIEMANN-PICK DISEASE WITHOUT SPHINGOMYELINASE DEFICIENCY; NIEMANN-PICK DISEASE, CHRONIC NEURONOPATHIC FORM; NIEMANN-PICK DISEASE, VARIANT TYPE C1. Identifiers: Orphanet 646, MedGen C3179455, MONDO:0009757, OMIM 257220.

Submission:

Labcorp Genetics (formerly Invitae), Labcorp
Classification: Pathogenic for Niemann-Pick disease, type C1. Last evaluated: 2020-02-04. Review status: criteria provided, single submitter. Criteria: Invitae Variant Classification Sherloc (09022015). Collection method: clinical testing. Allele origin: germline.
Comment: Donor and acceptor splice site variants typically lead to a loss of protein function (PMID: 16199547), and loss-of-function variants in NPC1 are known to be pathogenic (PMID: 9211850). Algorithms developed to predict the effect of sequence changes on RNA splicing suggest that this variant may disrupt the consensus splice site, but this prediction has not been confirmed by published transcriptional studies. Disruption of this splice site has been observed in individual(s) with Niemann-Pick disease type C (PMID: 16126423) This variant is not present in population databases (ExAC no frequency). This sequence change affects a donor splice site in intron 10 of the NPC1 gene. It is expected to disrupt RNA splicing and likely results in an absent or disrupted protein product. For these reasons, this variant has been classified as Pathogenic.

Literature cited by the submitters: PubMed 16199547; PubMed 9211850; PubMed 16126423.